The following is an entry in ClinVar:

NM_005883.3(APC2):c.2774A>G (p.Asp925Gly)

Gene: APC2 (APC regulator of Wnt signaling pathway 2; plus strand). Cytogenetic location: 19p13.3.
Variant type: single nucleotide variant.
Coding change: c.2774A>G on transcript NM_005883.3 (MANE Select); coding-DNA position 2774, A replaced by G.
Protein change: p.Asp925Gly; replaces aspartic acid 925 with glycine.
Molecular consequence: missense variant.
Genome position (GRCh38, 1-based): chr19:1,466,075, A>G. VCF-style: chr19-1466075-A-G. GRCh37 (hg19) VCF-style: chr19-1466074-A-G.
Other names: c.2771A>G, p.Asp924Gly (NM_001351273.1); short protein forms D924G, D925G.
Identifiers: ClinVar variation 2785369 (VCV002785369.3), dbSNP rs1599155437, ClinGen allele CA403028012.

ClinVar aggregate classification (germline): Uncertain significance (1 of 4 stars; one submission).

Submission:

Labcorp Genetics (formerly Invitae), Labcorp
Classification: Uncertain significance. Last evaluated: 2024-02-14. Review status: criteria provided, single submitter. Criteria: Invitae Variant Classification Sherloc (09022015). Collection method: clinical testing. Allele origin: germline.
Comment: This sequence change replaces aspartic acid, which is acidic and polar, with glycine, which is neutral and non-polar, at codon 925 of the APC2 protein (p.Asp925Gly). This variant is not present in population databases (gnomAD no frequency). This variant has not been reported in the literature in individuals affected with APC2-related conditions. Advanced modeling of protein sequence and biophysical properties (such as structural, functional, and spatial information, amino acid conservation, physicochemical variation, residue mobility, and thermodynamic stability) performed at Invitae indicates that this missense variant is expected to disrupt APC2 protein function with a positive predictive value of 80%. In summary, the available evidence is currently insufficient to determine the role of this variant in disease. Therefore, it has been classified as a Variant of Uncertain Significance.